The following is an entry in ClinVar:

NM_000059.4(BRCA2):c.1833del (p.Glu612fs)

Gene: BRCA2 (BRCA2 DNA repair associated; plus strand). Cytogenetic location: 13q13.1.
Variant type: Deletion.
Coding change: c.1833del on transcript NM_000059.4 (MANE Select); coding-DNA position 1833, one base deleted (A; older notation c.1833delA).
Protein change: p.Glu612fs; shifts the reading frame from glutamic acid 612.
Molecular consequence: frameshift variant.
Genome position (GRCh38, 1-based): chr13:32,333,311, A deleted. VCF-style (leftmost placement, unchanged base first): chr13-32333310-CA-C. GRCh37 (hg19) VCF-style: chr13-32907447-CA-C.
Other names: c.1833delA (NM_000059.3); short protein forms E612fs.
Identifiers: ClinVar variation 422894 (VCV000422894.5), dbSNP rs1064796073, ClinGen allele CA16619664.

ClinVar aggregate classification (germline): Pathogenic. Review status: reviewed by expert panel (3 of 4 stars). 3 submissions from 3 submitters: Pathogenic (1). 2 of the submissions do not count toward it. Last evaluated 2017-12-15.

Conditions:
Breast-ovarian cancer, familial, susceptibility to, 2 (BROVCA2). Also called: BRCA2 Hereditary Breast and Ovarian Cancer. Identifiers: Orphanet 145, MedGen C2675520, MONDO:0012933, OMIM 612555. Disease mechanism: loss of function.
Hereditary breast ovarian cancer syndrome. Also called: Hereditary breast and ovarian cancer syndrome; BRCA1- and BRCA2-Associated Hereditary Breast and Ovarian Cancer; Hereditary breast and/or ovarian cancer syndrome; Hereditary breast and ovarian cancer; Breast and ovarian cancer; Hereditary breast and ovarian cancer syndrome (HBOC). Identifiers: Orphanet 145, MedGen C0677776, MeSH D061325, MONDO:0003582. Disease mechanism: loss of function.

Submissions (3):

Evidence-based Network for the Interpretation of Germline Mutant Alleles (ENIGMA)
Classification: Pathogenic for Breast-ovarian cancer, familial, susceptibility to, 2. Last evaluated: 2017-12-15. Review status: reviewed by expert panel. Criteria: ENIGMA BRCA1/2 Classification Criteria (2017-06-29). Collection method: curation. Allele origin: germline. Study: ENIGMA.
Comment: Variant allele predicted to encode a truncated non-functional protein.

Labcorp Genetics (formerly Invitae), Labcorp
Classification: Pathogenic for Hereditary breast ovarian cancer syndrome. Last evaluated: 2022-12-26. Review status: criteria provided, single submitter. Criteria: Invitae Variant Classification Sherloc (09022015). Collection method: clinical testing. Allele origin: germline. Not counted in ClinVar's aggregate classification.
Comment: This variant is not present in population databases (gnomAD no frequency). For these reasons, this variant has been classified as Pathogenic. ClinVar contains an entry for this variant (Variation ID: 422894). This variant has not been reported in the literature in individuals affected with BRCA2-related conditions. This sequence change creates a premature translational stop signal (p.Glu612Asnfs*2) in the BRCA2 gene. It is expected to result in an absent or disrupted protein product. Loss-of-function variants in BRCA2 are known to be pathogenic (PMID: 20104584).

GeneDx
Classification: Pathogenic. Last evaluated: 2016-12-15. Review status: criteria provided, single submitter. Criteria: GeneDx Variant Classification (06012015). Collection method: clinical testing. Allele origin: germline. Affected: yes. Not counted in ClinVar's aggregate classification.
Comment: This deletion of one nucleotide in BRCA2 is denoted c.1833delA at the cDNA level and p.Glu612AsnfsX2 (E612NfsX2) at the protein level. Using alternate nomenclature, this variant would be defined as BRCA2 2062delA. The normal sequence, with the base that is deleted in brackets, is AATC[delA]GAAC. The deletion causes a frameshift which changes a Glutamic Acid to an Asparagine at codon 612, and creates a premature stop codon at position 2 of the new reading frame. Although this variant has not, to our knowledge, been reported in the literature, it is predicted to cause loss of normal protein function through either protein truncation or nonsense-mediated mRNA decay. We consider this variant to be pathogenic.

Literature cited by the submitters: PubMed 20104584 (cited by Labcorp Genetics (formerly Invitae), Labcorp).